The following is an entry in ClinVar:

ClinVar aggregate classification (germline): Conflicting classifications of pathogenicity. Review status: criteria provided, conflicting classifications (1 of 4 stars). 3 submissions from 3 submitters: Pathogenic (1); Uncertain significance (2). Last evaluated 2022-03-15.

Conditions:
Hereditary breast ovarian cancer syndrome. Also called: Hereditary breast and ovarian cancer syndrome (HBOC); BRCA1- and BRCA2-Associated Hereditary Breast and Ovarian Cancer; Hereditary breast and ovarian cancer syndrome; Breast and ovarian cancer; Hereditary breast and/or ovarian cancer syndrome; Hereditary breast and ovarian cancer. Identifiers: Orphanet 145, MedGen C0677776, MeSH D061325, MONDO:0003582. Disease mechanism: loss of function.
Neurofibromatosis, type 1 (NF1). Also called: Neurofibromatosis, type I; Peripheral type neurofibromatosis; VON RECKLINGHAUSEN DISEASE; NEUROFIBROMATOSIS, TYPE I, SOMATIC. Identifiers: Orphanet 636, MedGen C0027831, MONDO:0018975, OMIM 162200. Disease mechanism: loss of function.

Submissions (3):

Genome-Nilou Lab
Classification: Uncertain significance for Neurofibromatosis, type 1. Last evaluated: 2022-03-15. Review status: criteria provided, single submitter. Criteria: ACMG Guidelines, 2015. Collection method: clinical testing. Allele origin: germline. Affected: no.

Labcorp Genetics (formerly Invitae), Labcorp
Classification: Pathogenic for Neurofibromatosis, type 1. Last evaluated: 2021-04-16. Review status: criteria provided, single submitter. Criteria: Invitae Variant Classification Sherloc (09022015). Collection method: clinical testing. Allele origin: germline.
Comment: For these reasons, this variant has been classified as Pathogenic. This variant disrupts the p.Trp784 amino acid residue in NF1. Other variant(s) that disrupt this residue have been determined to be pathogenic (PMID: 11857752, 15146469, 12807981, 24789688). This suggests that this residue is clinically significant, and that variants that disrupt this residue are likely to be disease-causing. Advanced modeling of protein sequence and biophysical properties (such as structural, functional, and spatial information, amino acid conservation, physicochemical variation, residue mobility, and thermodynamic stability) performed at Invitae indicates that this missense variant is expected to disrupt NF1 protein function. This variant has been observed in individual(s) with neurofibromatosis (PMID: 31370276, Invitae). ClinVar contains an entry for this variant (Variation ID: 830270). This variant is not present in population databases (ExAC no frequency). This sequence change replaces tryptophan with serine at codon 784 of the NF1 protein (p.Trp784Ser). The tryptophan residue is moderately conserved and there is a large physicochemical difference between tryptophan and serine.

Cancer Genomics Group, Japanese Foundation For Cancer Research
Classification: Uncertain significance for Hereditary breast and ovarian cancer syndrome. Last evaluated: 2019-05-01. Review status: criteria provided, single submitter. Criteria: ACMG Guidelines, 2015. Collection method: research. Allele origin: germline. Affected: yes.

Literature cited by the submitters: PubMed 11857752 (cited by Labcorp Genetics (formerly Invitae), Labcorp); PubMed 15146469 (cited by Labcorp Genetics (formerly Invitae), Labcorp); PubMed 12807981 (cited by Labcorp Genetics (formerly Invitae), Labcorp); PubMed 24789688 (cited by Labcorp Genetics (formerly Invitae), Labcorp); PubMed 31370276 (cited by Labcorp Genetics (formerly Invitae), Labcorp).

NM_001042492.3(NF1):c.2351G>C (p.Trp784Ser)

Gene: NF1 (neurofibromin 1; plus strand). Cytogenetic location: 17q11.2.
Variant type: single nucleotide variant.
Coding change: c.2351G>C on transcript NM_001042492.3 (MANE Select); coding-DNA position 2351, G replaced by C.
Protein change: p.Trp784Ser; replaces tryptophan 784 with serine.
Molecular consequence: missense variant.
Genome position (GRCh38, 1-based): chr17:31,227,548, G>C. VCF-style: chr17-31227548-G-C. GRCh37 (hg19) VCF-style: chr17-29554566-G-C.
Other names: c.2351G>C, p.Trp784Ser (NM_000267.4); short protein forms W784S.
Identifiers: ClinVar variation 830270 (VCV000830270.10), dbSNP rs2067038047, ClinGen allele CA398983100.